The following is an entry in ClinVar:

ClinVar aggregate classification (germline): Uncertain significance (1 of 4 stars; one submission).

Conditions:
Joubert syndrome 21 (JBTS21). Identifiers: MedGen C3810212, MONDO:0014288, OMIM 615636.

Submission:

Labcorp Genetics (formerly Invitae), Labcorp
Classification: Uncertain significance for Joubert syndrome 21. Last evaluated: 2021-12-09. Review status: criteria provided, single submitter. Criteria: Invitae Variant Classification Sherloc (09022015). Collection method: clinical testing. Allele origin: germline.
Comment: This sequence change replaces proline, which is neutral and non-polar, with alanine, which is neutral and non-polar, at codon 958 of the CSPP1 protein (p.Pro958Ala). This variant is not present in population databases (gnomAD no frequency). This variant has not been reported in the literature in individuals affected with CSPP1-related conditions. Algorithms developed to predict the effect of missense changes on protein structure and function are either unavailable or do not agree on the potential impact of this missense change (SIFT: "Deleterious"; PolyPhen-2: "Probably Damaging"; Align-GVGD: "Class C0"). In summary, the available evidence is currently insufficient to determine the role of this variant in disease. Therefore, it has been classified as a Variant of Uncertain Significance.

NM_001382391.1(CSPP1):c.2887C>G (p.Pro963Ala)

Gene: CSPP1 (centrosome and spindle pole associated protein 1; plus strand). Cytogenetic location: 8q13.2.
Variant type: single nucleotide variant.
Coding change: c.2887C>G on transcript NM_001382391.1 (MANE Select); coding-DNA position 2887, C replaced by G.
Protein change: p.Pro963Ala; replaces proline 963 with alanine.
Molecular consequence: missense variant.
Genome position (GRCh38, 1-based): chr8:67,172,474, C>G. VCF-style: chr8-67172474-C-G. GRCh37 (hg19) VCF-style: chr8-68084709-C-G.
Other names: c.1837C>G, p.Pro613Ala (NM_001291339.2); c.2806C>G, p.Pro936Ala (NM_001363131.2); c.2692C>G, p.Pro898Ala (NM_001363132.2); c.2611C>G, p.Pro871Ala (NM_001363133.2); c.2953C>G, p.Pro985Ala (NM_001364869.1); c.2773C>G, p.Pro925Ala (NM_001364870.1); c.2872C>G, p.Pro958Ala (NM_024790.7); short protein forms P871A, P613A, P898A, P925A, P936A, P958A, P963A, P985A.
Identifiers: ClinVar variation 1477469 (VCV001477469.6), dbSNP rs770066826, ClinGen allele CA371195377.